The following is an entry in ClinVar:

NM_001242896.3(DEPDC5):c.2337A>G (p.Pro779=)

Gene: DEPDC5 (DEP domain containing 5, GATOR1 subcomplex subunit; plus strand). Cytogenetic location: 22q12.3.
Variant type: single nucleotide variant.
Coding change: c.2337A>G on transcript NM_001242896.3 (MANE Select); coding-DNA position 2337, A replaced by G.
Protein change: p.Pro779=; no amino-acid change (proline 779 retained).
Molecular consequence: synonymous variant. On other transcripts: non-coding transcript variant (5).
Genome position (GRCh38, 1-based): chr22:31,837,138, A>G. VCF-style: chr22-31837138-A-G. GRCh37 (hg19) VCF-style: chr22-32233124-A-G.
Other names: c.2310A>G, p.Pro770= (NM_001136029.4, NM_001369903.1, NM_014662.6); c.2103A>G, p.Pro701= (NM_001242897.2, NM_001363854.2, NM_001364319.2); c.2337A>G, p.Pro779= (NM_001363852.2, NM_001364318.2, NM_001364320.2); c.2253A>G, p.Pro751= (NM_001369901.1, NM_001369902.1).
Identifiers: ClinVar variation 4986024 (VCV004986024.1).

ClinVar aggregate classification (germline): Likely benign (1 of 4 stars; one submission).

Conditions:
DEPDC5-related disorder. Also called: DEPDC5-related condition; DEPDC5-related related disorder.

Submission:

PreventionGenetics, part of Exact Sciences
Classification: Likely benign for DEPDC5-related condition. Last evaluated: 2025-02-14. Review status: criteria provided, single submitter. Criteria: ACMG Guidelines, 2015. Collection method: clinical testing. Allele origin: germline.
Comment: This variant is classified as likely benign based on ACMG/AMP sequence variant interpretation guidelines (Richards et al. 2015 PMID: 25741868, with internal and published modifications).